The following is an entry in ClinVar:

ClinVar aggregate classification (germline): Uncertain significance (1 of 4 stars; one submission).

Conditions:
DPM3-congenital disorder of glycosylation (MDDGC15). Also called: CDG Io; CDG1(DPM3); DPM3-CDG; MUSCULAR DYSTROPHY-DYSTROGLYCANOPATHY (LIMB-GIRDLE), TYPE C, 15. Identifiers: Orphanet 263494, MedGen C2752007, MONDO:0013049, OMIM 612937.

Submission:

Labcorp Genetics (formerly Invitae), Labcorp
Classification: Uncertain significance for DPM3-congenital disorder of glycosylation. Last evaluated: 2021-09-09. Review status: criteria provided, single submitter. Criteria: Invitae Variant Classification Sherloc (09022015). Collection method: clinical testing. Allele origin: germline.
Comment: This sequence change replaces glycine with glutamic acid at codon 10 of the DPM3 protein (p.Gly10Glu). The glycine residue is moderately conserved and there is a moderate physicochemical difference between glycine and glutamic acid. This variant is not present in population databases (ExAC no frequency). This variant has not been reported in the literature in individuals affected with DPM3-related conditions. Algorithms developed to predict the effect of missense changes on protein structure and function (SIFT, PolyPhen-2, Align-GVGD) all suggest that this variant is likely to be tolerated. In summary, the available evidence is currently insufficient to determine the role of this variant in disease. Therefore, it has been classified as a Variant of Uncertain Significance.

NM_153741.2(DPM3):c.29G>A (p.Gly10Glu)

Gene: DPM3 (dolichyl-phosphate mannosyltransferase subunit 3, regulatory; minus strand). Cytogenetic location: 1q22.
Variant type: single nucleotide variant.
Coding change: c.29G>A on transcript NM_153741.2 (MANE Select); coding-DNA position 29, G replaced by A.
Protein change: p.Gly10Glu; replaces glycine 10 with glutamic acid.
Molecular consequence: missense variant.
Genome position (GRCh38, 1-based): chr1:155,140,212, C>T on the plus strand (G>A on the coding strand, the complement: DPM3 is on the minus strand). VCF-style: chr1-155140212-C-T. GRCh37 (hg19) VCF-style: chr1-155112688-C-T.
Other names: c.119G>A, p.Gly40Glu (NM_018973.4); short protein forms G10E, G40E.
Identifiers: ClinVar variation 1493482 (VCV001493482.6), dbSNP rs2102491894, ClinGen allele CA342664969.
Genomic context (GRCh38, chr1:155,140,212, plus strand): 5'-AGCTCCAGGCCCAAGGCTCCCGTGGTCAGGGCCACCCAGGTGGAGCCCAGGATCGCTAGT[C>T]CCCAAAGCCACTGCGCTAATTTCGTCATGGTCACTGCGAGAGAAGGAAGCAATGCTCCCC-3'
Protein context (NP_714963.1, residues 1-20): MTKLAQWLW[Gly10Glu]LAILGSTWVA